The following is an entry in ClinVar:

ClinVar aggregate classification (germline): Uncertain significance (1 of 4 stars; one submission).

Conditions:
Infantile-onset X-linked spinal muscular atrophy. Also called: AMC, DISTAL, X-LINKED; ARTHROGRYPOSIS, X-LINKED, TYPE I; Spinal muscular atrophy, X-linked 2; SPINAL MUSCULAR ATROPHY, X-LINKED LETHAL INFANTILE; Spinal Muscular Atrophy, X-Linked Infantile. Identifiers: Orphanet 1145, MedGen C1844934, MONDO:0010532, OMIM 301830.

Allele frequency attached by ClinVar (database versions not stated): gnomAD exomes below 0.00001.
gnomAD v4.1: 1 of 1,205,919 alleles (0.000083%); highest among the groups gnomAD compares: Non-Finnish European, 0.00011%; no homozygotes.

Submission:

Labcorp Genetics (formerly Invitae), Labcorp
Classification: Uncertain significance for Infantile-onset X-linked spinal muscular atrophy. Last evaluated: 2022-11-09. Review status: criteria provided, single submitter. Criteria: Invitae Variant Classification Sherloc (09022015). Collection method: clinical testing. Allele origin: germline.
Comment: This variant has not been reported in the literature in individuals affected with UBA1-related conditions. The frequency data for this variant in the population databases is considered unreliable, as metrics indicate poor data quality at this position in the gnomAD database. This sequence change falls in intron 11 of the UBA1 gene. It does not directly change the encoded amino acid sequence of the UBA1 protein. Algorithms developed to predict the effect of sequence changes on RNA splicing suggest that this variant may create or strengthen a splice site. In summary, the available evidence is currently insufficient to determine the role of this variant in disease. Therefore, it has been classified as a Variant of Uncertain Significance.

NM_003334.4(UBA1):c.1233+9G>A

Gene: UBA1 (ubiquitin like modifier activating enzyme 1; plus strand). Cytogenetic location: Xp11.3.
Variant type: single nucleotide variant.
Coding change: c.1233+9G>A on transcript NM_003334.4 (MANE Select); 9 bases into the intron after coding-DNA position 1233, G replaced by A.
Molecular consequence: intron variant.
Genome position (GRCh38, 1-based): chrX:47,202,823, G>A. VCF-style: chrX-47202823-G-A. GRCh37 (hg19) VCF-style: chrX-47062222-G-A.
Other names: c.1233+9G>A (NM_153280.3).
Identifiers: ClinVar variation 2918457 (VCV002918457.3), dbSNP rs1556788863, ClinGen allele CA641900319.